The following is an entry in ClinVar:

NM_052845.4(MMAB):c.651T>G (p.Ser217Arg)

Gene: MMAB (metabolism of cobalamin associated B; minus strand). Cytogenetic location: 12q24.11.
Variant type: single nucleotide variant.
Coding change: c.651T>G on transcript NM_052845.4 (MANE Select); coding-DNA position 651, T replaced by G.
Protein change: p.Ser217Arg; replaces serine 217 with arginine.
Molecular consequence: missense variant. On other transcripts: non-coding transcript variant (1).
Genome position (GRCh38, 1-based): chr12:109,557,130, A>C on the plus strand (T>G on the coding strand, the complement: MMAB is on the minus strand). VCF-style: chr12-109557130-A-C. GRCh37 (hg19) VCF-style: chr12-109994935-A-C.
Other names: short protein forms S217R.
Identifiers: ClinVar variation 1306747 (VCV001306747.3), dbSNP rs2136192609, ClinGen allele CA386635773.

ClinVar aggregate classification (germline): Uncertain significance (1 of 4 stars; one submission).

Submission:

GeneDx
Classification: Uncertain significance. Last evaluated: 2025-05-15. Review status: criteria provided, single submitter. Criteria: GeneDx Variant Classification Process June 2021. Collection method: clinical testing. Allele origin: germline. Affected: yes.
Comment: Not observed at significant frequency in large population cohorts (gnomAD); In silico analysis, which includes protein predictors and evolutionary conservation, supports a deleterious effect; Has not been previously published as pathogenic or benign to our knowledge